The following is an entry in ClinVar:

NM_021971.4(GMPPB):c.951+28G>A

Gene: GMPPB (GDP-mannose pyrophosphorylase B; minus strand). Cytogenetic location: 3p21.31.
Variant type: single nucleotide variant.
Coding change: c.951+28G>A on transcript NM_021971.4 (MANE Select); 28 bases into the intron after coding-DNA position 951, G replaced by A.
Molecular consequence: intron variant. On other transcripts: missense variant (1).
Genome position (GRCh38, 1-based): chr3:49,721,937, C>T on the plus strand (G>A on the coding strand, the complement: GMPPB is on the minus strand). VCF-style: chr3-49721937-C-T. GRCh37 (hg19) VCF-style: chr3-49759370-C-T.
Other names: c.979G>A, p.Glu327Lys (NM_013334.4); short protein forms E327K.
Identifiers: ClinVar variation 2228645 (VCV002228645.3), dbSNP rs71324991, ClinGen allele CA2405395.

ClinVar aggregate classification (germline): Uncertain significance. Review status: criteria provided, multiple submitters, no conflicts (2 of 4 stars). 2 submissions from 2 submitters: Uncertain significance (2). Last evaluated 2024-06-19.

Conditions:
Inborn genetic diseases. Identifiers: MedGen C0950123, MeSH D030342.

Allele frequency attached by ClinVar (database versions not stated): gnomAD exomes below 0.00001; ExAC 0.00001.
gnomAD v4.1: 2 of 1,466,560 alleles (0.00014%); highest among the groups gnomAD compares: Admixed American, 0.0034%; no homozygotes.

Submissions (2):

Blueprint Genetics
Classification: Uncertain significance. Last evaluated: 2024-06-19. Review status: criteria provided, single submitter. Criteria: ACMG Guidelines, 2015. Collection method: clinical testing. Allele origin: germline.

Ambry Genetics
Classification: Uncertain significance for Inborn genetic diseases. Last evaluated: 2021-01-28. Review status: criteria provided, single submitter. Criteria: Ambry Variant Classification Scheme 2023. Collection method: clinical testing. Allele origin: germline.
Comment: The c.979G>A (p.E327K) alteration is located in exon 8 (coding exon 8) of the GMPPB gene. This alteration results from a G to A substitution at nucleotide position 979, causing the glutamic acid (E) at amino acid position 327 to be replaced by a lysine (K). The p.E327K alteration is predicted to be tolerated by in silico analysis. Based on insufficient or conflicting evidence, the clinical significance of this alteration remains unclear.